The following is an entry in ClinVar:

ClinVar aggregate classification (germline): Likely benign (1 of 4 stars; one submission).

gnomAD v4.1: 429 of 152,132 alleles (0.28%); highest among the groups gnomAD compares: African/African-American, 0.97%; 6 homozygotes.

Submission:

CeGaT Center for Human Genetics Tuebingen
Classification: Likely benign. Last evaluated: 2026-09-01. Review status: criteria provided, single submitter. Criteria: CeGaT Center For Human Genetics Tuebingen Variant Classification Criteria Version 2. Collection method: clinical testing. Allele origin: germline. Affected: yes. Observed: 2 variant alleles.
Comment: TRDN: BS2

NM_006073.4(TRDN):c.610+589C>G

Gene: TRDN (triadin; minus strand). Cytogenetic location: 6q22.31.
Variant type: single nucleotide variant.
Coding change: c.610+589C>G on transcript NM_006073.4 (MANE Select); 589 bases into the intron after coding-DNA position 610, C replaced by G.
Molecular consequence: intron variant.
Genome position (GRCh38, 1-based): chr6:123,511,714, G>C on the plus strand (C>G on the coding strand, the complement: TRDN is on the minus strand). VCF-style: chr6-123511714-G-C. GRCh37 (hg19) VCF-style: chr6-123832859-G-C.
Other names: c.610+589C>G (NM_001407315.1, NM_001251987.2, NM_001256020.2 and 1 more transcripts).
Identifiers: ClinVar variation 4085077 (VCV004085077.8).
Genomic context (GRCh38, chr6:123,511,714, plus strand): 5'-TTCCAGTTTTTATGATTCCAAAGTGTTGGCTCAGCATGGCTCTACTGAATTCTCTGCTTA[G>C]GGCCCACGAGGCTGAAATCAAGTTGTCACCTAGGCTTTGTGTTTTACTAGAGGCTAGAGG-3'